The following is an entry in ClinVar:

ClinVar aggregate classification (germline): Uncertain significance (1 of 4 stars; one submission).

Conditions:
Epidermolysis bullosa simplex 3, localized or generalized intermediate, with BP230 deficiency (EBS3). Also called: Epidermolysis bullosa simplex due to BP230 deficiency; Epidermolysis bullosa simplex, autosomal recessive 2. Identifiers: Orphanet 412181, MedGen C3809470, MONDO:0014180, OMIM 615425.
Hereditary sensory and autonomic neuropathy type 6. Also called: Neuropathy, hereditary sensory and autonomic, type VI; HSAN VI. Identifiers: Orphanet 314381, MedGen C3539003, MONDO:0013839, OMIM 614653.

Submission:

Labcorp Genetics (formerly Invitae), Labcorp
Classification: Uncertain significance for Epidermolysis bullosa simplex 3, localized or generalized intermediate, with BP230 deficiency; Hereditary sensory and autonomic neuropathy type 6. Last evaluated: 2021-02-23. Review status: criteria provided, single submitter. Criteria: Invitae Variant Classification Sherloc (09022015). Collection method: clinical testing. Allele origin: germline.
Comment: This sequence change replaces glutamine with glutamic acid at codon 2195 of the DST protein (p.Gln2195Glu). The DST gene has multiple clinically relevant transcripts. This variant occurs in alternate transcript NM_015548.4, and corresponds to NM_001723.5:c.*58010C>G in the primary transcript. This variant is not present in population databases (ExAC no frequency). This variant has not been reported in the literature in individuals with DST-related conditions. Experimental studies and prediction algorithms are not available or were not evaluated, and the functional significance of this variant is currently unknown. In summary, the available evidence is currently insufficient to determine the role of this variant in disease. Therefore, it has been classified as a Variant of Uncertain Significance.

NM_001374736.1(DST):c.14452C>G (p.Gln4818Glu)

Gene: DST (dystonin; minus strand). Cytogenetic location: 6p12.1.
Variant type: single nucleotide variant.
Coding change: c.14452C>G on transcript NM_001374736.1 (MANE Select); coding-DNA position 14452, C replaced by G.
Protein change: p.Gln4818Glu; replaces glutamine 4818 with glutamic acid.
Molecular consequence: missense variant.
Genome position (GRCh38, 1-based): chr6:56,557,507, G>C on the plus strand (C>G on the coding strand, the complement: DST is on the minus strand). VCF-style: chr6-56557507-G-C. GRCh37 (hg19) VCF-style: chr6-56422305-G-C.
Other names: c.8095C>G, p.Gln2699Glu (NM_001144769.5); c.7681C>G, p.Gln2561Glu (NM_001144770.2); c.14452C>G, p.Gln4818Glu (NM_001374722.1); c.13819C>G, p.Gln4607Glu (NM_001374729.1); c.7561C>G, p.Gln2521Glu (NM_001374730.1, NM_001386100.1, NM_183380.4); c.14479C>G, p.Gln4827Glu (NM_001374734.1); c.6583C>G, p.Gln2195Glu (NM_015548.5); short protein forms Q2699E, Q4607E, Q2521E, Q2195E, Q4818E, Q2561E, Q4827E.
Identifiers: ClinVar variation 1500566 (VCV001500566.1), dbSNP rs2152562127, ClinGen allele CA364521488.
Genomic context (GRCh38, chr6:56,557,507, plus strand): 5'-GATTATTGGAGGATTCTTCCAGTTTTTGTTGTCTATCAATTGTTAATTGATTGAGTTCTT[G>C]CCACTTAGAATCTAAAAGAAAAAAAATGAAACTGGTGTTTGACATTTTTTGCATTTAACA-3'
Protein context (NP_001361665.1, residues 4808-4828): QMLTEIDSKW[Gln4818Glu]ELNQLTIDRQ